The following is an entry in ClinVar:

NM_001358530.2(MOCS1):c.124-31C>A

Gene: MOCS1 (molybdenum cofactor synthesis 1; minus strand). Cytogenetic location: 6p21.2.
Variant type: single nucleotide variant.
Coding change: c.124-31C>A on transcript NM_001358530.2 (MANE Select); 31 bases into the intron before coding-DNA position 124, C replaced by A.
Molecular consequence: intron variant. On other transcripts: synonymous variant (1).
Genome position (GRCh38, 1-based): chr6:39,927,486, G>T on the plus strand (C>A on the coding strand, the complement: MOCS1 is on the minus strand). VCF-style: chr6-39927486-G-T. GRCh37 (hg19) VCF-style: chr6-39895225-G-T.
Other names: c.93C>A, p.Gly31= (NM_005943.6); c.-11-1641C>A (NM_001358531.2, NM_001358533.2); c.124-31C>A (NM_001358529.2, NM_001075098.4); c.-138-31C>A (NM_001358534.2).
Identifiers: ClinVar variation 3060783 (VCV003060783.2), dbSNP rs1212088108, ClinGen allele CA450351008.

ClinVar aggregate classification (germline): Likely benign (0 of 4 stars; one submission).

Conditions:
MOCS1-related disorder. Also called: MOCS1-related condition.

Submission:

PreventionGenetics, part of Exact Sciences
Classification: Likely benign for MOCS1-related condition. Last evaluated: 2021-06-17. Review status: no assertion criteria provided. Collection method: clinical testing. Allele origin: germline.
Comment: This variant is classified as likely benign based on ACMG/AMP sequence variant interpretation guidelines (Richards et al. 2015 PMID: 25741868, with internal and published modifications).